The following is an entry in ClinVar:

NM_017986.4(SLC52A1):c.275C>G (p.Thr92Arg)

Gene: SLC52A1 (solute carrier family 52 member 1; minus strand). Cytogenetic location: 17p13.2.
Variant type: single nucleotide variant.
Coding change: c.275C>G on transcript NM_017986.4 (MANE Select); coding-DNA position 275, C replaced by G.
Protein change: p.Thr92Arg; replaces threonine 92 with arginine.
Molecular consequence: missense variant.
Genome position (GRCh38, 1-based): chr17:5,034,214, G>C on the plus strand (C>G on the coding strand, the complement: SLC52A1 is on the minus strand). VCF-style: chr17-5034214-G-C. GRCh37 (hg19) VCF-style: chr17-4937509-G-C.
Other names: c.275C>G, p.Thr92Arg (NM_001104577.2); short protein forms T92R.
Identifiers: ClinVar variation 3666026 (VCV003666026.2).

ClinVar aggregate classification (germline): Uncertain significance (1 of 4 stars; one submission).

Conditions:
Vitamin B2 deficiency. Identifiers: MedGen C0035528.

Submission:

Labcorp Genetics (formerly Invitae), Labcorp
Classification: Uncertain significance for Vitamin B2 deficiency. Last evaluated: 2024-12-29. Review status: criteria provided, single submitter. Criteria: Invitae Variant Classification Sherloc (09022015). Collection method: clinical testing. Allele origin: germline.
Comment: This sequence change replaces threonine, which is neutral and polar, with arginine, which is basic and polar, at codon 92 of the SLC52A1 protein (p.Thr92Arg). This variant is not present in population databases (gnomAD no frequency). This variant has not been reported in the literature in individuals affected with SLC52A1-related conditions. Invitae Evidence Modeling of protein sequence and biophysical properties (such as structural, functional, and spatial information, amino acid conservation, physicochemical variation, residue mobility, and thermodynamic stability) indicates that this missense variant is not expected to disrupt SLC52A1 protein function with a negative predictive value of 80%. In summary, the available evidence is currently insufficient to determine the role of this variant in disease. Therefore, it has been classified as a Variant of Uncertain Significance.